The following is an entry in ClinVar:

NM_024529.5(CDC73):c.350G>A (p.Gly117Asp)

Gene: CDC73 (cell division cycle 73; plus strand). Cytogenetic location: 1q31.2.
Variant type: single nucleotide variant.
Coding change: c.350G>A on transcript NM_024529.5 (MANE Select); coding-DNA position 350, G replaced by A.
Protein change: p.Gly117Asp; replaces glycine 117 with aspartic acid.
Molecular consequence: missense variant.
Genome position (GRCh38, 1-based): chr1:193,135,433, G>A. VCF-style: chr1-193135433-G-A. GRCh37 (hg19) VCF-style: chr1-193104563-G-A.
Other names: short protein forms G117D.
Identifiers: ClinVar variation 4745171 (VCV004745171.1).

ClinVar aggregate classification (germline): Uncertain significance (1 of 4 stars; one submission).

Conditions:
Parathyroid carcinoma (PRTC). Also called: Parathyroid gland carcinoma; CDC73-Related Parathyroid Carcinoma. Identifiers: Orphanet 143, MedGen C0687150, MONDO:0012004, OMIM 608266, HP:0006780.

Submission:

Labcorp Genetics (formerly Invitae), Labcorp
Classification: Uncertain significance for Parathyroid carcinoma. Last evaluated: 2025-08-20. Review status: criteria provided, single submitter. Criteria: Invitae Variant Classification Sherloc (09022015). Collection method: clinical testing. Allele origin: germline.
Comment: This sequence change replaces glycine, which is neutral and non-polar, with aspartic acid, which is acidic and polar, at codon 117 of the CDC73 protein (p.Gly117Asp). This variant is not present in population databases (gnomAD no frequency). This variant has not been reported in the literature in individuals affected with CDC73-related conditions. Invitae Evidence Modeling of protein sequence and biophysical properties (such as structural, functional, and spatial information, amino acid conservation, physicochemical variation, residue mobility, and thermodynamic stability) indicates that this missense variant is not expected to disrupt CDC73 protein function with a negative predictive value of 80%. In summary, the available evidence is currently insufficient to determine the role of this variant in disease. Therefore, it has been classified as a Variant of Uncertain Significance.